The following is an entry in ClinVar:

NM_001276270.2(MBD4):c.525C>G (p.Asn175Lys)

Gene: MBD4 (methyl-CpG binding domain 4, DNA glycosylase; minus strand). Cytogenetic location: 3q21.3.
Variant type: single nucleotide variant.
Coding change: c.525C>G on transcript NM_001276270.2 (MANE Select); coding-DNA position 525, C replaced by G.
Protein change: p.Asn175Lys; replaces asparagine 175 with lysine.
Molecular consequence: missense variant. On other transcripts: intron variant (1).
Genome position (GRCh38, 1-based): chr3:129,437,119, G>C on the plus strand (C>G on the coding strand, the complement: MBD4 is on the minus strand). VCF-style: chr3-129437119-G-C. GRCh37 (hg19) VCF-style: chr3-129155962-G-C.
Other names: c.525C>G, p.Asn175Lys (NM_001276271.2, NM_001276272.2, NM_003925.3); c.247+689C>G (NM_001276273.2); short protein forms N175K.
Identifiers: ClinVar variation 4104597 (VCV004104597.1).

ClinVar aggregate classification (germline): Uncertain significance (1 of 4 stars; one submission).

Conditions:
Inborn genetic diseases. Identifiers: MedGen C0950123, MeSH D030342.

gnomAD v4.1: 1 of 1,614,020 alleles (0.000062%); highest among the groups gnomAD compares: African/African-American, 0.0013%; no homozygotes.

Submission:

Ambry Genetics
Classification: Uncertain significance for Inborn genetic diseases. Last evaluated: 2025-06-24. Review status: criteria provided, single submitter. Criteria: Ambry Variant Classification Scheme 2023. Collection method: clinical testing. Allele origin: germline.
Comment: The p.N175K variant (also known as c.525C>G), located in coding exon 3 of the MBD4 gene, results from a C to G substitution at nucleotide position 525. The asparagine at codon 175 is replaced by lysine, an amino acid with similar properties. This amino acid position is conserved. In addition, this alteration is predicted to be tolerated by in silico analysis. Based on the available evidence, the clinical significance of this variant remains unclear.